The following is an entry in ClinVar:

NM_000199.5(SGSH):c.89-4G>A

Gene: SGSH (N-sulfoglucosamine sulfohydrolase; minus strand). Cytogenetic location: 17q25.3.
Variant type: single nucleotide variant.
Coding change: c.89-4G>A on transcript NM_000199.5 (MANE Select); 4 bases into the intron before coding-DNA position 89, G replaced by A.
Molecular consequence: intron variant.
Genome position (GRCh38, 1-based): chr17:80,217,196, C>T on the plus strand (G>A on the coding strand, the complement: SGSH is on the minus strand). VCF-style: chr17-80217196-C-T. GRCh37 (hg19) VCF-style: chr17-78190995-C-T.
Other names: c.89-4G>A (NM_001352921.3, NM_001352922.2).
Identifiers: ClinVar variation 727758 (VCV000727758.15), dbSNP rs375536965, ClinGen allele CA8818175.

ClinVar aggregate classification (germline): Likely benign. Review status: criteria provided, multiple submitters, no conflicts (2 of 4 stars). 4 submissions from 4 submitters: Likely benign (2). 2 of the submissions do not count toward it. Last evaluated 2026-02-03.

Conditions:
Mucopolysaccharidosis, MPS-III-A (MPS3A). Also called: MUCOPOLYSACCHARIDOSIS, TYPE IIIA, ATTENUATED; HEPARAN SULFATE SULFATASE DEFICIENCY; SANFILIPPO SYNDROME A; SULFAMIDASE DEFICIENCY; Mucopolysaccharidosis, type IIIA; MPS III A. Identifiers: Orphanet 581, Orphanet 79269, MedGen C0086647, MONDO:0009655, OMIM 252900.
SGSH-related disorder. Also called: SGSH-related condition.

Allele frequency attached by ClinVar (database versions not stated): gnomAD exomes 0.00003 and 0.00011; gnomAD 0.00032 and 0.00029; ExAC 0.00015; ESP Exome Variant Server 0.00023; 1000 Genomes Project 30x 0.00016; 1000 Genomes Project 0.00020; TOPMed 0.00036.
gnomAD v4.1: 87 of 1,596,646 alleles (0.0054%); highest among the groups gnomAD compares: African/African-American, 0.097%; no homozygotes.

Submissions (4):

Labcorp Genetics (formerly Invitae), Labcorp
Classification: Likely benign for Mucopolysaccharidosis, MPS-III-A. Last evaluated: 2026-02-03. Review status: criteria provided, single submitter. Criteria: Invitae Variant Classification Sherloc (09022015). Collection method: clinical testing. Allele origin: germline.

Blueprint Genetics
Classification: Likely benign. Last evaluated: 2024-11-27. Review status: criteria provided, single submitter. Criteria: ACMG Guidelines, 2015. Collection method: clinical testing. Allele origin: germline.

PreventionGenetics, part of Exact Sciences
Classification: Likely benign for SGSH-related condition. Last evaluated: 2022-03-28. Review status: no assertion criteria provided. Collection method: clinical testing. Allele origin: germline. Not counted in ClinVar's aggregate classification.
Comment: This variant is classified as likely benign based on ACMG/AMP sequence variant interpretation guidelines (Richards et al. 2015 PMID: 25741868, with internal and published modifications).

Natera, Inc.
Classification: Uncertain significance for Mucopolysaccharidosis type IIIA. Last evaluated: 2020-01-24. Review status: no assertion criteria provided. Collection method: clinical testing. Allele origin: germline. Not counted in ClinVar's aggregate classification.